The following is an entry in ClinVar:

NM_000218.3(KCNQ1):c.1310T>G (p.Met437Arg)

Gene: KCNQ1 (potassium voltage-gated channel subfamily Q member 1; plus strand). Cytogenetic location: 11p15.5.
Variant type: single nucleotide variant.
Coding change: c.1310T>G on transcript NM_000218.3 (MANE Select); coding-DNA position 1310, T replaced by G.
Protein change: p.Met437Arg; replaces methionine 437 with arginine.
Molecular consequence: missense variant.
Genome position (GRCh38, 1-based): chr11:2,588,771, T>G. VCF-style: chr11-2588771-T-G. GRCh37 (hg19) VCF-style: chr11-2610001-T-G.
Other names: c.1214T>G, p.Met405Arg (NM_001406836.1); c.1040T>G, p.Met347Arg (NM_001406837.1); c.770T>G, p.Met257Arg (NM_001406838.1); c.929T>G, p.Met310Arg (NM_181798.2); short protein forms M257R, M310R, M347R, M405R, M437R.
Identifiers: ClinVar variation 3073755 (VCV003073755.1), dbSNP rs2493708471, ClinGen allele CA379135025.

ClinVar aggregate classification (germline): Uncertain significance (1 of 4 stars; one submission).

Conditions:
Long QT syndrome (LQTS). Identifiers: MedGen C0023976, MeSH D008133, MONDO:0002442. Disease mechanism: loss of function. Inheritance: Various modes of inheritance.

Submission:

All of Us Research Program, National Institutes of Health
Classification: Uncertain significance for Long QT syndrome. Last evaluated: 2023-10-06. Review status: criteria provided, single submitter. Criteria: ACMG Guidelines, 2015. Collection method: clinical testing. Allele origin: germline. Inheritance: Autosomal dominant inheritance. Observed: 1 variant allele, 1 heterozygote.
Comment: This missense variant replaces methionine with arginine at codon 437 of the KCNQ1 protein. To our knowledge, functional studies have not been reported for this variant. This variant has not been reported in individuals affected with KCNQ1-related disorders in the literature. This variant has not been identified in the general population by the Genome Aggregation Database (gnomAD). The available evidence is insufficient to determine the role of this variant in disease conclusively. Therefore, this variant is classified as a Variant of Uncertain Significance.

This study involves interpretation of variants in research participants for the purpose of population health screening. Participant phenotype was not available at the time of variant classification. Additional details can be found in publication PMID: 35346344, PMCID: PMC8962531